The following is an entry in ClinVar:

NM_015681.6(B9D1):c.505C>G (p.Leu169Val)

Gene: B9D1 (B9 domain containing 1; minus strand). Cytogenetic location: 17p11.2.
Variant type: single nucleotide variant.
Coding change: c.505C>G on transcript NM_015681.6 (MANE Select); coding-DNA position 505, C replaced by G.
Protein change: p.Leu169Val; replaces leucine 169 with valine.
Molecular consequence: missense variant. On other transcripts: 3 prime UTR variant (2), intron variant (4).
Genome position (GRCh38, 1-based): chr17:19,343,429, G>C on the plus strand (C>G on the coding strand, the complement: B9D1 is on the minus strand). VCF-style: chr17-19343429-G-C. GRCh37 (hg19) VCF-style: chr17-19246742-G-C.
Other names: c.*30C>G (NM_001321214.2); c.*281C>G (NM_001321215.3); c.112+361C>G (NM_001368769.2); c.404+3840C>G (NM_001321219.2); c.472+361C>G (NM_001321218.2, NM_001321217.2); short protein forms L169V.
Identifiers: ClinVar variation 2936930 (VCV002936930.3), dbSNP rs764112875, ClinGen allele CA8440083.

ClinVar aggregate classification (germline): Uncertain significance. Review status: criteria provided, multiple submitters, no conflicts (2 of 4 stars). 2 submissions from 2 submitters: Uncertain significance (2). Last evaluated 2025-05-27.

Conditions:
Joubert syndrome. Also called: Familial aplasia of the vermis; JOUBERT-BOLTSHAUSER SYNDROME. Identifiers: Orphanet 475, MedGen C5979921, MONDO:0018772.
Meckel-Gruber syndrome. Also called: DYSENCEPHALIA SPLANCHNOCYSTICA; Dysencephalia splachnocystica; GRUBER SYNDROME. Identifiers: Orphanet 564, MedGen C0265215, MONDO:0018921.

Allele frequency attached by ClinVar (database versions not stated): TOPMed below 0.00001; ExAC 0.00001; gnomAD exomes 0.00001.
gnomAD v4.1: 3 of 1,614,204 alleles (0.00019%); highest among the groups gnomAD compares: Non-Finnish European, 0.00025%; no homozygotes.

Submissions (2):

Labcorp Genetics (formerly Invitae), Labcorp
Classification: Uncertain significance for Joubert syndrome; Meckel-Gruber syndrome. Last evaluated: 2025-05-27. Review status: criteria provided, single submitter. Criteria: Invitae Variant Classification Sherloc (09022015). Collection method: clinical testing. Allele origin: germline.
Comment: This sequence change replaces leucine, which is neutral and non-polar, with valine, which is neutral and non-polar, at codon 169 of the B9D1 protein (p.Leu169Val). This variant is present in population databases (rs764112875, gnomAD 0.0009%). This variant has not been reported in the literature in individuals affected with B9D1-related conditions. ClinVar contains an entry for this variant (Variation ID: 2936930). An algorithm developed to predict the effect of missense changes on protein structure and function (PolyPhen-2) suggests that this variant is likely to be tolerated. In summary, the available evidence is currently insufficient to determine the role of this variant in disease. Therefore, it has been classified as a Variant of Uncertain Significance.

Blueprint Genetics
Classification: Uncertain significance. Last evaluated: 2018-06-08. Review status: criteria provided, single submitter. Criteria: ACMG Guidelines, 2015. Collection method: clinical testing. Allele origin: germline.